The following is an entry in ClinVar:

ClinVar aggregate classification (germline): Uncertain significance (1 of 4 stars; one submission).

Conditions:
Cardiovascular phenotype. Identifiers: MedGen CN230736.

Submission:

Ambry Genetics
Classification: Uncertain significance for Cardiovascular phenotype. Last evaluated: 2025-04-12. Review status: criteria provided, single submitter. Criteria: Ambry Variant Classification Scheme 2023. Collection method: clinical testing. Allele origin: germline.
Comment: The p.D622H variant (also known as c.1864G>C), located in coding exon 16 of the PRDM5 gene, results from a G to C substitution at nucleotide position 1864. The aspartic acid at codon 622 is replaced by histidine, an amino acid with similar properties. This amino acid position is conserved. In addition, this alteration is predicted to be tolerated by in silico analysis. Based on the available evidence, the clinical significance of this variant remains unclear.

NM_018699.4(PRDM5):c.1864G>C (p.Asp622His)

Gene: PRDM5 (PR/SET domain 5; minus strand). Cytogenetic location: 4q27.
Variant type: single nucleotide variant.
Coding change: c.1864G>C on transcript NM_018699.4 (MANE Select); coding-DNA position 1864, G replaced by C.
Protein change: p.Asp622His; replaces aspartic acid 622 with histidine.
Molecular consequence: missense variant. On other transcripts: 3 prime UTR variant (1).
Genome position (GRCh38, 1-based): chr4:120,695,140, C>G on the plus strand (G>C on the coding strand, the complement: PRDM5 is on the minus strand). VCF-style: chr4-120695140-C-G. GRCh37 (hg19) VCF-style: chr4-121616295-C-G.
Other names: c.1771G>C, p.Asp591His (NM_001300823.2); c.*179G>C (NM_001300824.2); c.1897G>C, p.Asp633His (NM_001379104.1); c.1666G>C, p.Asp556His (NM_001379106.1); short protein forms D633H, D556H, D591H, D622H.
Identifiers: ClinVar variation 3937786 (VCV003937786.1).